The following is an entry in ClinVar:

NM_199069.2(NDUFAF3):c.482G>A (p.Arg161Gln)

Gene: NDUFAF3 (NADH:ubiquinone oxidoreductase complex assembly factor 3; plus strand). Cytogenetic location: 3p21.31.
Variant type: single nucleotide variant.
Coding change: c.482G>A on transcript NM_199069.2 (MANE Select); coding-DNA position 482, G replaced by A.
Protein change: p.Arg161Gln; replaces arginine 161 with glutamine.
Molecular consequence: missense variant.
Genome position (GRCh38, 1-based): chr3:49,023,099, G>A. VCF-style: chr3-49023099-G-A. GRCh37 (hg19) VCF-style: chr3-49060532-G-A.
Other names: c.311G>A, p.Arg104Gln (NM_199070.2, NM_199073.2, NM_199074.2); short protein forms R104Q, R161Q.
Identifiers: ClinVar variation 3673144 (VCV003673144.2).

ClinVar aggregate classification (germline): Uncertain significance (1 of 4 stars; one submission).

gnomAD v4.1: 1 of 1,614,142 alleles (0.000062%); highest among the groups gnomAD compares: South Asian, 0.0011%; no homozygotes.

Submission:

Labcorp Genetics (formerly Invitae), Labcorp
Classification: Uncertain significance. Last evaluated: 2024-07-27. Review status: criteria provided, single submitter. Criteria: Invitae Variant Classification Sherloc (09022015). Collection method: clinical testing. Allele origin: germline.
Comment: This sequence change replaces arginine, which is basic and polar, with glutamine, which is neutral and polar, at codon 161 of the NDUFAF3 protein (p.Arg161Gln). This variant is not present in population databases (gnomAD no frequency). This variant has not been reported in the literature in individuals affected with NDUFAF3-related conditions. An algorithm developed to predict the effect of missense changes on protein structure and function (PolyPhen-2) suggests that this variant is likely to be disruptive. In summary, the available evidence is currently insufficient to determine the role of this variant in disease. Therefore, it has been classified as a Variant of Uncertain Significance.